The following is an entry in ClinVar:

NM_002109.6(HARS1):c.1436G>A (p.Arg479His)

Gene: HARS1 (histidyl-tRNA synthetase 1; minus strand). Cytogenetic location: 5q31.3.
Variant type: single nucleotide variant.
Coding change: c.1436G>A on transcript NM_002109.6 (MANE Select); coding-DNA position 1436, G replaced by A.
Protein change: p.Arg479His; replaces arginine 479 with histidine.
Molecular consequence: missense variant.
Genome position (GRCh38, 1-based): chr5:140,674,701, C>T on the plus strand (G>A on the coding strand, the complement: HARS1 is on the minus strand). VCF-style: chr5-140674701-C-T. GRCh37 (hg19) VCF-style: chr5-140054286-C-T.
Other names: c.1436G>A (NM_002109.3); c.1316G>A, p.Arg439His (NM_001258040.3); c.1376G>A, p.Arg459His (NM_001258041.3); c.1256G>A, p.Arg419His (NM_001258042.3); c.1214G>A, p.Arg405His (NM_001289092.2); c.1094G>A, p.Arg365His (NM_001289093.2); c.1349G>A, p.Arg450His (NM_001289094.2); short protein forms R439H, R459H, R479H, R365H, R450H, R405H, R419H.
Identifiers: ClinVar variation 2190642 (VCV002190642.6), dbSNP rs746366104, ClinGen allele CA3443823.

ClinVar aggregate classification (germline): Uncertain significance. Review status: criteria provided, multiple submitters, no conflicts (2 of 4 stars). 2 submissions from 2 submitters: Uncertain significance (2). Last evaluated 2023-07-22.

Conditions:
Usher syndrome type 3B. Also called: USHER SYNDROME, TYPE IIIB. Identifiers: MedGen C3281066, MONDO:0013788, OMIM 614504.

Allele frequency attached by ClinVar (database versions not stated): ExAC 0.00001; gnomAD 0.00001; TOPMed 0.00001.
gnomAD v4.1: 15 of 1,614,098 alleles (0.00093%); highest among the groups gnomAD compares: East Asian, 0.02%; no homozygotes.

Submissions (2):

Labcorp Genetics (formerly Invitae), Labcorp
Classification: Uncertain significance for Usher syndrome type 3B. Last evaluated: 2023-07-22. Review status: criteria provided, single submitter. Criteria: Invitae Variant Classification Sherloc (09022015). Collection method: clinical testing. Allele origin: germline.
Comment: ClinVar contains an entry for this variant (Variation ID: 2190642). This sequence change replaces arginine, which is basic and polar, with histidine, which is basic and polar, at codon 479 of the HARS protein (p.Arg479His). The frequency data for this variant in the population databases is considered unreliable, as metrics indicate poor data quality at this position in the gnomAD database. This variant has not been reported in the literature in individuals affected with HARS-related conditions. Advanced modeling of protein sequence and biophysical properties (such as structural, functional, and spatial information, amino acid conservation, physicochemical variation, residue mobility, and thermodynamic stability) has been performed at Invitae for this missense variant, however the output from this modeling did not meet the statistical confidence thresholds required to predict the impact of this variant on HARS protein function. In summary, the available evidence is currently insufficient to determine the role of this variant in disease. Therefore, it has been classified as a Variant of Uncertain Significance.

Ambry Genetics
Classification: Uncertain significance. Last evaluated: 2023-06-23. Review status: criteria provided, single submitter. Criteria: Ambry Variant Classification Scheme 2023. Collection method: clinical testing. Allele origin: germline.